The following is an entry in ClinVar:

ClinVar aggregate classification (germline): Uncertain significance. Review status: criteria provided, multiple submitters, no conflicts (2 of 4 stars). 2 submissions from 2 submitters: Uncertain significance (2). Last evaluated 2025-05-08.

Conditions:
GNAS-related disorder. Identifiers: MedGen CN380105.

Submissions (2):

PreventionGenetics, part of Exact Sciences
Classification: Uncertain significance for GNAS-related condition. Last evaluated: 2025-05-08. Review status: criteria provided, single submitter. Criteria: ACMG Guidelines, 2015. Collection method: clinical testing. Allele origin: germline.
Comment: The GNAS c.914C>A variant is predicted to result in the amino acid substitution p.Pro305Gln. This variant is also known as c.1101C>A (p.=) under an alternative transcript NM_080425. To our knowledge, this variant has not been reported in the literature. This variant is reported in 0.011% of alleles in individuals of African descent in gnomAD. At this time, the clinical significance of this variant is uncertain due to the absence of conclusive functional and genetic evidence.

Blueprint Genetics
Classification: Uncertain significance. Last evaluated: 2023-01-23. Review status: criteria provided, single submitter. Criteria: ACMG Guidelines, 2015. Collection method: clinical testing. Allele origin: germline.

NM_080425.4(GNAS):c.1101C>A (p.Ala367=)

Gene: GNAS (GNAS complex locus; plus strand). Cytogenetic location: 20q13.32.
Variant type: single nucleotide variant.
Coding change: c.1101C>A on transcript NM_080425.4 (MANE Plus Clinical); coding-DNA position 1101, C replaced by A.
Protein change: p.Ala367=; no amino-acid change (alanine 367 retained).
Molecular consequence: synonymous variant. On other transcripts: missense variant (2), intron variant (3).
Genome position (GRCh38, 1-based): chr20:58,854,366, C>A. VCF-style: chr20-58854366-C-A. GRCh37 (hg19) VCF-style: chr20-57429421-C-A.
Other names: c.914C>A, p.Pro305Gln (NM_001077490.3, NM_001309883.1); c.1101C>A, p.Ala367= (NM_001410913.1); c.*42+13480C>A (NM_016592.5); c.43+13480C>A (NM_001410912.1); c.-39+12491C>A (NM_001309861.2); short protein forms P305Q.
Identifiers: ClinVar variation 4945463 (VCV004945463.2).